The following is an entry in ClinVar:

NM_015338.6(ASXL1):c.4414G>A (p.Val1472Met)

Gene: ASXL1 (ASXL transcriptional regulator 1; plus strand). Cytogenetic location: 20q11.21.
Variant type: single nucleotide variant.
Coding change: c.4414G>A on transcript NM_015338.6 (MANE Select); coding-DNA position 4414, G replaced by A.
Protein change: p.Val1472Met; replaces valine 1472 with methionine.
Molecular consequence: missense variant.
Genome position (GRCh38, 1-based): chr20:32,437,126, G>A. VCF-style: chr20-32437126-G-A. GRCh37 (hg19) VCF-style: chr20-31024929-G-A.
Other names: c.4231G>A, p.Val1411Met (NM_001363734.1); short protein forms V1472M, V1411M.
Identifiers: ClinVar variation 4827379 (VCV004827379.1).

ClinVar aggregate classification (germline): Uncertain significance (1 of 4 stars; one submission).

Conditions:
Inborn genetic diseases. Identifiers: MedGen C0950123, MeSH D030342.

gnomAD v4.1: 3 of 1,614,142 alleles (0.00019%); highest among the groups gnomAD compares: South Asian, 0.0011%; no homozygotes.

Submission:

Ambry Genetics
Classification: Uncertain significance for Inborn genetic diseases. Last evaluated: 2026-02-23. Review status: criteria provided, single submitter. Criteria: Ambry Variant Classification Scheme 2023. Collection method: clinical testing. Allele origin: germline.
Comment: The p.V1472M variant (also known as c.4414G>A), located in coding exon 13 of the ASXL1 gene, results from a G to A substitution at nucleotide position 4414. The valine at codon 1472 is replaced by methionine, an amino acid with highly similar properties. This amino acid position is conserved. In addition, this alteration is predicted to be tolerated by in silico analysis. Based on the available evidence, the clinical significance of this variant remains unclear.